The following is an entry in ClinVar:

NM_005012.4(ROR1):c.163+9dup

Gene: ROR1 (ROR family WNT receptor 1; plus strand). Cytogenetic location: 1p31.3.
Variant type: Duplication.
Coding change: c.163+9dup on transcript NM_005012.4 (MANE Select); 9 bases into the intron after coding-DNA position 163, one base duplicated (T; older notation c.163+9dupT).
Molecular consequence: intron variant.
Genome position (GRCh38, 1-based): chr1:64,009,385, T duplicated. VCF-style (leftmost placement, unchanged base first): chr1-64009384-G-GT. GRCh37 (hg19) VCF-style: chr1-64475056-G-GT.
Other names: c.163+9dup (NM_001083592.2); c.163+9dupT (NM_005012.3).
Identifiers: ClinVar variation 3730423 (VCV003730423.3).

ClinVar aggregate classification (germline): Likely benign. Review status: criteria provided, multiple submitters, no conflicts (2 of 4 stars). 2 submissions from 2 submitters: Likely benign (2). Last evaluated 2025-11-10.

Conditions:
ROR1-related disorder. Also called: ROR1-related condition.

Submissions (2):

Labcorp Genetics (formerly Invitae), Labcorp
Classification: Likely benign. Last evaluated: 2025-11-10. Review status: criteria provided, single submitter. Criteria: Invitae Variant Classification Sherloc (09022015). Collection method: clinical testing. Allele origin: germline.

PreventionGenetics, part of Exact Sciences
Classification: Likely benign for ROR1-related condition. Last evaluated: 2025-06-03. Review status: criteria provided, single submitter. Criteria: ACMG Guidelines, 2015. Collection method: clinical testing. Allele origin: germline.
Comment: This variant is classified as likely benign based on ACMG/AMP sequence variant interpretation guidelines (Richards et al. 2015 PMID: 25741868, with internal and published modifications).